The following is an entry in ClinVar:

NM_003628.6(PKP4):c.2390C>T (p.Pro797Leu)

Genes: PKP4 (plakophilin 4; plus strand), PKP4-AS1 (PKP4 antisense RNA 1; minus strand). Cytogenetic location: 2q24.1.
Variant type: single nucleotide variant.
Coding change: c.2390C>T on transcript NM_003628.6 (MANE Select); coding-DNA position 2390, C replaced by T.
Protein change: p.Pro797Leu; replaces proline 797 with leucine.
Molecular consequence: missense variant.
Genome position (GRCh38, 1-based): chr2:158,663,075, C>T. VCF-style: chr2-158663075-C-T. GRCh37 (hg19) VCF-style: chr2-159519587-C-T.
Other names: c.2390C>T, p.Pro797Leu (NM_001005476.4, NM_001304971.2, NM_001377218.1 and 1 more transcripts); c.2387C>T, p.Pro796Leu (NM_001304969.3, NM_001377219.1, NM_001377220.1 and 2 more transcripts); c.1361C>T, p.Pro454Leu (NM_001304970.3); c.2384C>T, p.Pro795Leu (NM_001377222.1, NM_001377223.1); c.2381C>T, p.Pro794Leu (NM_001377224.1); short protein forms P454L, P794L, P795L, P796L, P797L.
Identifiers: ClinVar variation 3223504 (VCV003223504.2), dbSNP rs370420292, ClinGen allele CA1920984.

ClinVar aggregate classification (germline): Uncertain significance (1 of 4 stars; one submission).

Allele frequency attached by ClinVar (database versions not stated): gnomAD exomes 0.00003; gnomAD 0.00005; TOPMed 0.00008; ExAC 0.00009; ESP Exome Variant Server 0.00015.
gnomAD v4.1: 47 of 1,604,988 alleles (0.0029%); highest among the groups gnomAD compares: South Asian, 0.028%; 1 homozygote.

Submission:

Ambry Genetics
Classification: Uncertain significance. Last evaluated: 2025-12-02. Review status: criteria provided, single submitter. Criteria: Ambry Variant Classification Scheme 2023. Collection method: clinical testing. Allele origin: germline.
Comment: The p.P797L variant (also known as c.2390C>T), located in coding exon 13 of the PKP4 gene, results from a C to T substitution at nucleotide position 2390. The proline at codon 797 is replaced by leucine, an amino acid with similar properties. This amino acid position is conserved. In addition, this alteration is predicted to be tolerated by in silico analysis. Since supporting evidence is limited at this time, the clinical significance of this alteration remains unclear.